The following is an entry in ClinVar:

ClinVar aggregate classification (germline): Uncertain significance (1 of 4 stars; one submission).

Submission:

GeneDx
Classification: Uncertain significance. Last evaluated: 2025-11-09. Review status: criteria provided, single submitter. Criteria: GeneDx Variant Classification Process June 2021. Collection method: clinical testing. Allele origin: germline.
Comment: Not observed at significant frequency in large population cohorts (gnomAD); In silico analysis supports that this missense variant has a deleterious effect on protein structure/function; Has not been previously published as pathogenic or benign to our knowledge

NM_024876.4(COQ8B):c.1429C>T (p.Arg477Trp)

Gene: COQ8B (coenzyme Q8B; minus strand). Cytogenetic location: 19q13.2.
Variant type: single nucleotide variant.
Coding change: c.1429C>T on transcript NM_024876.4 (MANE Select); coding-DNA position 1429, C replaced by T.
Protein change: p.Arg477Trp; replaces arginine 477 with tryptophan.
Molecular consequence: missense variant.
Genome position (GRCh38, 1-based): chr19:40,692,241, G>A on the plus strand (C>T on the coding strand, the complement: COQ8B is on the minus strand). VCF-style: chr19-40692241-G-A. GRCh37 (hg19) VCF-style: chr19-41198146-G-A.
Other names: c.1306C>T, p.Arg436Trp (NM_001142555.3); short protein forms R436W, R477W.
Identifiers: ClinVar variation 3900485 (VCV003900485.2).